The following is an entry in ClinVar:

NM_000501.4(ELN):c.1358-236G>A

Gene: ELN (elastin; plus strand). Cytogenetic location: 7q11.23.
Variant type: single nucleotide variant.
Coding change: c.1358-236G>A on transcript NM_000501.4 (MANE Select); 236 bases into the intron before coding-DNA position 1358, G replaced by A.
Molecular consequence: intron variant. On other transcripts: synonymous variant (1).
Genome position (GRCh38, 1-based): chr7:74,057,404, G>A. VCF-style: chr7-74057404-G-A. GRCh37 (hg19) VCF-style: chr7-73471734-G-A.
Other names: c.1380G>A, p.Leu460= (NM_001278939.2); c.1373-236G>A (NM_001081754.3); c.1372+691G>A (NM_001081753.3); c.1358-236G>A (NM_001278915.2, NM_001278912.2); c.1357+691G>A (NM_001081755.3); c.1315+691G>A (NM_001278916.2); c.1171+691G>A (NM_001278913.2); c.1342+691G>A (NM_001278914.2); and 4 more.
Identifiers: ClinVar variation 1581096 (VCV001581096.10), dbSNP rs529133775, ClinGen allele CA4292980.

ClinVar aggregate classification (germline): Benign/Likely benign. Review status: criteria provided, multiple submitters, no conflicts (2 of 4 stars). 2 submissions from 2 submitters: Benign (1); Likely benign (1). Last evaluated 2026-02-07.

Conditions:
ELN-related disorder.
Supravalvar aortic stenosis (SVAS). Also called: Supravalvar aortic stenosis, Eisenberg type. Identifiers: Orphanet 3193, MedGen C0003499, MONDO:0008504, OMIM 185500, HP:0004381.

Allele frequency attached by ClinVar (database versions not stated): TOPMed below 0.00001; gnomAD 0.00009; gnomAD exomes 0.00013 and 0.00024; ExAC 0.00016; 1000 Genomes Project 30x 0.00047; 1000 Genomes Project 0.00060.
gnomAD v4.1: 329 of 1,511,426 alleles (0.022%); highest among the groups gnomAD compares: East Asian, 0.74%; 5 homozygotes.

Submissions (4):

PreventionGenetics, part of Exact Sciences
Classification: Likely benign for ELN-related condition. Last evaluated: 2026-02-07. Review status: criteria provided, single submitter. Criteria: ACMG Guidelines, 2015. Collection method: clinical testing. Allele origin: germline.
Comment: This variant is classified as likely benign based on ACMG/AMP sequence variant interpretation guidelines (Richards et al. 2015 PMID: 25741868, with internal and published modifications).

Labcorp Genetics (formerly Invitae), Labcorp
Classification: Benign for Supravalvar aortic stenosis. Last evaluated: 2025-10-12. Review status: criteria provided, single submitter. Criteria: Invitae Variant Classification Sherloc (09022015). Collection method: clinical testing. Allele origin: germline.

Dr. Peter K. Rogan Lab, Western University
No classification provided (evidence only). Condition: Gastric cancer. Review status: no classification provided. Collection method: in vitro. Allele origin: not applicable. Functional consequence: skipped exon. Not counted in ClinVar's aggregate classification.

Dr. Peter K. Rogan Lab, Western University
No classification provided (evidence only). Condition: Uterine carcinosarcoma. Review status: no classification provided. Collection method: in vitro. Allele origin: not applicable. Functional consequence: skipped exon, retained intron. Not counted in ClinVar's aggregate classification.